The following is an entry in ClinVar:

NM_203447.4(DOCK8):c.4626+260C>G

Gene: DOCK8 (dedicator of cytokinesis 8; plus strand). Cytogenetic location: 9p24.3.
Variant type: single nucleotide variant.
Coding change: c.4626+260C>G on transcript NM_203447.4 (MANE Select); 260 bases into the intron after coding-DNA position 4626, C replaced by G.
Molecular consequence: intron variant.
Genome position (GRCh38, 1-based): chr9:430,114, C>G. VCF-style: chr9-430114-C-G. GRCh37 (hg19) VCF-style: chr9-430114-C-G.
Other names: c.4422+260C>G (NM_001193536.2); c.4326+260C>G (NM_001190458.2).
Identifiers: ClinVar variation 667667 (VCV000667667.1), dbSNP rs10758576, ClinGen allele CA13005028.
Genomic context (GRCh38, chr9:430,114, plus strand): 5'-GTGGTCTCTATCAGTGTGTTTCTAAAATAGACAGCCAGGGGCCAGGAACGATGGCTTTCA[C>G]CTATAATCCCAGCACTTTGGGAGGCCGAGGTGAGTGGATCATTTGAAGTCAGGAGTTCAA-3'

ClinVar aggregate classification (germline): Benign (1 of 4 stars; one submission).

Allele frequency attached by ClinVar (database versions not stated): 1000 Genomes Project 0.64477; 1000 Genomes Project 30x 0.63476; TOPMed 0.61090.
gnomAD v4.1: 95,078 of 152,132 alleles (62%); highest among the groups gnomAD compares: East Asian, 98%; 32,299 homozygotes.

Submission:

GeneDx
Classification: Benign. Last evaluated: 2018-06-14. Review status: criteria provided, single submitter. Criteria: GeneDx Variant Classification (06012015). Collection method: clinical testing. Allele origin: germline. Affected: yes.
Comment: This variant is considered likely benign or benign based on one or more of the following criteria: it is a conservative change, it occurs at a poorly conserved position in the protein, it is predicted to be benign by multiple in silico algorithms, and/or has population frequency not consistent with disease.